The following is an entry in ClinVar:

ClinVar aggregate classification (germline): Likely pathogenic (1 of 4 stars; one submission).

Conditions:
Intellectual developmental disorder with cardiac defects and dysmorphic facies (IDDCDF). Identifiers: Orphanet 562569, MedGen C5193024, MONDO:0032672, OMIM 618316.

Submission:

Juno Genomics, Hangzhou Juno Genomics, Inc
Classification: Likely pathogenic for Intellectual developmental disorder with cardiac defects and dysmorphic facies. Review status: criteria provided, single submitter. Criteria: ACMG Guidelines, 2015. Collection method: clinical testing. Allele origin: germline.
Comment: Absent from controls (or at extremely low frequency if recessive) in Genome Aggregation Database.;Null variant in a gene where loss of function (LOF) is a known mechanism of disease.

NM_014738.6(TMEM94):c.410-2A>T

Gene: TMEM94 (transmembrane protein 94; plus strand). Cytogenetic location: 17q25.1.
Variant type: single nucleotide variant.
Coding change: c.410-2A>T on transcript NM_014738.6 (MANE Select); the canonical splice acceptor site of the intron before coding-DNA position 410, A replaced by T.
Molecular consequence: splice acceptor variant.
Genome position (GRCh38, 1-based): chr17:75,487,930, A>T. VCF-style: chr17-75487930-A-T. GRCh37 (hg19) VCF-style: chr17-73484011-A-T.
Other names: c.410-2A>T (NM_001438841.1, NM_001438842.1, NM_001321149.2 and 5 more transcripts); c.440-2A>T (NM_001438843.1, NM_001321148.2, NM_001351203.2 and 1 more transcripts).
Identifiers: ClinVar variation 5019751 (VCV005019751.2).